The following is an entry in ClinVar:

NM_052867.4(NALCN):c.4977C>T (p.Asp1659=)

Genes: NALCN-AS1 (NALCN antisense RNA 1; plus strand), NALCN (sodium leak channel, non-selective; minus strand). Cytogenetic location: 13q32.3.
Variant type: single nucleotide variant.
Coding change: c.4977C>T on transcript NM_052867.4 (MANE Select); coding-DNA position 4977, C replaced by T.
Protein change: p.Asp1659=; no amino-acid change (aspartic acid 1659 retained).
Molecular consequence: synonymous variant. On other transcripts: non-coding transcript variant (1).
Genome position (GRCh38, 1-based): chr13:101,057,985, G>A on the plus strand (C>T on the coding strand, the complement: NALCN is on the minus strand). VCF-style: chr13-101057985-G-A. GRCh37 (hg19) VCF-style: chr13-101710337-G-A.
Other names: c.5064C>T, p.Asp1688= (NM_001350748.2); c.4977C>T, p.Asp1659= (NM_001350749.2); c.4890C>T, p.Asp1630= (NM_001350750.2, NM_001350751.2).
Identifiers: ClinVar variation 262264 (VCV000262264.49), dbSNP rs78817184, ClinGen allele CA7034956.
Genomic context (GRCh38, chr13:101,057,985, plus strand): 5'-CTGGATGGACCTACCTGAGGGCAGACGCCACTGCCCAAATTTCCTCTGGGGTTTCCCTGC[G>A]TCGGCTGCATCTTGCCGACTTCCTCCTCGATCCGACAGCGTGGGGCTCAGGAGCTGCTGC-3'
Protein context (NP_443099.1, residues 1649-1669): DRGGSRQDAA[Asp1659=]AGKPQRKFGQ

ClinVar aggregate classification (germline): Benign/Likely benign. Review status: criteria provided, multiple submitters, no conflicts (2 of 4 stars). 6 submissions from 6 submitters: Benign (1); Likely benign (4). 1 of the submissions does not count toward it. Last evaluated 2026-05-01.

Conditions:
NALCN-related disorder. Also called: NALCN-related condition; NALCN-related disorders.

Allele frequency attached by ClinVar (database versions not stated): 1000 Genomes Project 30x 0.00078; 1000 Genomes Project 0.00080; TOPMed 0.00241; ESP Exome Variant Server 0.00331.
gnomAD v4.1: 5,329 of 1,613,936 alleles (0.33%); highest among the groups gnomAD compares: Non-Finnish European, 0.38%; 24 homozygotes.

Submissions (6):

CeGaT Center for Human Genetics Tuebingen
Classification: Likely benign. Last evaluated: 2026-05-01. Review status: criteria provided, single submitter. Criteria: CeGaT Center For Human Genetics Tuebingen Variant Classification Criteria Version 2. Collection method: clinical testing. Allele origin: germline. Affected: yes. Observed: 16 variant alleles.
Comment: NALCN: BP4, BP7, BS2

Labcorp Genetics (formerly Invitae), Labcorp
Classification: Benign. Last evaluated: 2026-02-03. Review status: criteria provided, single submitter. Criteria: Invitae Variant Classification Sherloc (09022015). Collection method: clinical testing. Allele origin: germline.

Blueprint Genetics
Classification: Likely benign. Last evaluated: 2024-11-27. Review status: criteria provided, single submitter. Criteria: ACMG Guidelines, 2015. Collection method: clinical testing. Allele origin: germline.

GeneDx
Classification: Likely benign. Last evaluated: 2020-10-08. Review status: criteria provided, single submitter. Criteria: GeneDx Variant Classification Process June 2021. Collection method: clinical testing. Allele origin: germline. Affected: yes.

Breakthrough Genomics
Classification: Likely benign. Review status: criteria provided, single submitter. Criteria: ACMG Guidelines, 2015. Collection method: not provided. Allele origin: germline. Inheritance: Autosomal recessive inheritance. Affected: yes.

PreventionGenetics, part of Exact Sciences
Classification: Likely benign for NALCN-related condition. Last evaluated: 2019-06-11. Review status: no assertion criteria provided. Collection method: clinical testing. Allele origin: germline. Not counted in ClinVar's aggregate classification.
Comment: This variant is classified as likely benign based on ACMG/AMP sequence variant interpretation guidelines (Richards et al. 2015 PMID: 25741868, with internal and published modifications).